The following is an entry in ClinVar:

NM_006147.4(IRF6):c.1320C>A (p.Tyr440Ter)

Gene: IRF6 (interferon regulatory factor 6; minus strand). Cytogenetic location: 1q32.2.
Variant type: single nucleotide variant.
Coding change: c.1320C>A on transcript NM_006147.4 (MANE Select); coding-DNA position 1320, C replaced by A.
Protein change: p.Tyr440Ter; replaces tyrosine 440 with a stop codon.
Molecular consequence: nonsense.
Genome position (GRCh38, 1-based): chr1:209,788,504, G>T on the plus strand (C>A on the coding strand, the complement: IRF6 is on the minus strand). VCF-style: chr1-209788504-G-T. GRCh37 (hg19) VCF-style: chr1-209961849-G-T.
Other names: c.1035C>A, p.Tyr345Ter (NM_001206696.2); short protein forms Y345*, Y440*.
Identifiers: ClinVar variation 3344499 (VCV003344499.1).

ClinVar aggregate classification (germline): Likely pathogenic (0 of 4 stars; one submission).

Conditions:
IRF6-related condition. Also called: IRF6-related disorder; IRF6-Related Disorders. Identifiers: MedGen CN378148, MONDO:1040010.

Submission:

PreventionGenetics, part of Exact Sciences
Classification: Likely pathogenic for IRF6-related condition. Last evaluated: 2024-05-02. Review status: no assertion criteria provided. Collection method: clinical testing. Allele origin: germline.
Comment: The IRF6 c.1320C>A variant is predicted to result in premature protein termination (p.Tyr440*). To our knowledge, this variant has not been reported in the literature or in a large population database, indicating this variant is rare. Nonsense variants in IRF6 are expected to be pathogenic. This variant is interpreted as likely pathogenic.